The following is an entry in ClinVar:

NM_003571.4(BFSP2):c.899C>T (p.Ala300Val)

Genes: BFSP2 (beaded filament structural protein 2; plus strand), BFSP2-AS1 (BFSP2 antisense RNA 1; minus strand), LOC129937591 (ATAC-STARR-seq lymphoblastoid active region 20543; plus strand). Cytogenetic location: 3q22.1.
Variant type: single nucleotide variant.
Coding change: c.899C>T on transcript NM_003571.4 (MANE Select); coding-DNA position 899, C replaced by T.
Protein change: p.Ala300Val; replaces alanine 300 with valine.
Molecular consequence: missense variant.
Genome position (GRCh38, 1-based): chr3:133,466,835, C>T. VCF-style: chr3-133466835-C-T. GRCh37 (hg19) VCF-style: chr3-133185679-C-T.
Other names: short protein forms A300V.
Identifiers: ClinVar variation 4702069 (VCV004702069.1).

ClinVar aggregate classification (germline): Uncertain significance (1 of 4 stars; one submission).

Conditions:
Cataract 12 multiple types. Identifiers: Orphanet 91492, MedGen C3808115, MONDO:0012701, OMIM 611597.

gnomAD v4.1: 19 of 1,613,546 alleles (0.0012%); highest among the groups gnomAD compares: Middle Eastern, 0.017%; no homozygotes.

Submission:

Labcorp Genetics (formerly Invitae), Labcorp
Classification: Uncertain significance for Cataract 12 multiple types. Last evaluated: 2025-05-08. Review status: criteria provided, single submitter. Criteria: Invitae Variant Classification Sherloc (09022015). Collection method: clinical testing. Allele origin: germline.
Comment: This sequence change replaces alanine, which is neutral and non-polar, with valine, which is neutral and non-polar, at codon 300 of the BFSP2 protein (p.Ala300Val). This variant is present in population databases (rs774937998, gnomAD 0.01%). This variant has not been reported in the literature in individuals affected with BFSP2-related conditions. An algorithm developed to predict the effect of missense changes on protein structure and function outputs the following: PolyPhen-2: "Benign". The valine amino acid residue is found in multiple mammalian species, which suggests that this missense change does not adversely affect protein function. In summary, the available evidence is currently insufficient to determine the role of this variant in disease. Therefore, it has been classified as a Variant of Uncertain Significance.